The following is an entry in ClinVar:

NM_030665.4(RAI1):c.2278T>A (p.Leu760Met)

Gene: RAI1 (retinoic acid induced 1; plus strand). Cytogenetic location: 17p11.2.
Variant type: single nucleotide variant.
Coding change: c.2278T>A on transcript NM_030665.4 (MANE Select); coding-DNA position 2278, T replaced by A.
Protein change: p.Leu760Met; replaces leucine 760 with methionine.
Molecular consequence: missense variant.
Genome position (GRCh38, 1-based): chr17:17,795,226, T>A. VCF-style: chr17-17795226-T-A. GRCh37 (hg19) VCF-style: chr17-17698540-T-A.
Other names: short protein forms L760M.
Identifiers: ClinVar variation 1413458 (VCV001413458.6), dbSNP rs2032187417, ClinGen allele CA398550612.

ClinVar aggregate classification (germline): Uncertain significance (1 of 4 stars; one submission).

Allele frequency attached by ClinVar (database versions not stated): gnomAD exomes below 0.00001; TOPMed below 0.00001.
gnomAD v4.1: 2 of 1,613,828 alleles (0.00012%); highest among the groups gnomAD compares: Non-Finnish European, 0.00017%; no homozygotes.

Submission:

Labcorp Genetics (formerly Invitae), Labcorp
Classification: Uncertain significance. Last evaluated: 2024-08-12. Review status: criteria provided, single submitter. Criteria: Invitae Variant Classification Sherloc (09022015). Collection method: clinical testing. Allele origin: germline.
Comment: This sequence change replaces leucine, which is neutral and non-polar, with methionine, which is neutral and non-polar, at codon 760 of the RAI1 protein (p.Leu760Met). This variant is not present in population databases (gnomAD no frequency). This variant has not been reported in the literature in individuals affected with RAI1-related conditions. ClinVar contains an entry for this variant (Variation ID: 1413458). Advanced modeling of protein sequence and biophysical properties (such as structural, functional, and spatial information, amino acid conservation, physicochemical variation, residue mobility, and thermodynamic stability) performed at Invitae indicates that this missense variant is not expected to disrupt RAI1 protein function with a negative predictive value of 80%. In summary, the available evidence is currently insufficient to determine the role of this variant in disease. Therefore, it has been classified as a Variant of Uncertain Significance.